The following is an entry in ClinVar:

ClinVar aggregate classification (germline): Uncertain significance (1 of 4 stars; one submission).

Allele frequency attached by ClinVar (database versions not stated): TOPMed below 0.00001.

Submission:

Ambry Genetics
Classification: Uncertain significance. Last evaluated: 2023-02-03. Review status: criteria provided, single submitter. Criteria: Ambry Variant Classification Scheme 2023. Collection method: clinical testing. Allele origin: germline.
Comment: The p.L275F variant (also known as c.825G>C), located in coding exon 6 of the RINT1 gene, results from a G to C substitution at nucleotide position 825. The leucine at codon 275 is replaced by phenylalanine, an amino acid with highly similar properties. This amino acid position is conserved. In addition, this alteration is predicted to be tolerated by in silico analysis. Since supporting evidence is limited at this time, the clinical significance of this alteration remains unclear.

NM_021930.6(RINT1):c.825G>C (p.Leu275Phe)

Gene: RINT1 (RAD50 interactor 1; plus strand). Cytogenetic location: 7q22.3.
Variant type: single nucleotide variant.
Coding change: c.825G>C on transcript NM_021930.6 (MANE Select); coding-DNA position 825, G replaced by C.
Protein change: p.Leu275Phe; replaces leucine 275 with phenylalanine.
Molecular consequence: missense variant. On other transcripts: 5 prime UTR variant (2), non-coding transcript variant (1), intron variant (1).
Genome position (GRCh38, 1-based): chr7:105,547,319, G>C. VCF-style: chr7-105547319-G-C. GRCh37 (hg19) VCF-style: chr7-105187766-G-C.
Other names: c.591G>C, p.Leu197Phe (NM_001346599.2); c.-195G>C (NM_001346600.2); c.-98G>C (NM_001346601.2); c.-27-2736G>C (NM_001346603.2); short protein forms L275F, L197F.
Identifiers: ClinVar variation 2448422 (VCV002448422.2), dbSNP rs1790711637, ClinGen allele CA368806475.